The following is an entry in ClinVar:

NM_053025.4(MYLK):c.2458C>T (p.Pro820Ser)

Gene: MYLK (myosin light chain kinase; minus strand). Cytogenetic location: 3q21.1.
Variant type: single nucleotide variant.
Coding change: c.2458C>T on transcript NM_053025.4 (MANE Select); coding-DNA position 2458, C replaced by T.
Protein change: p.Pro820Ser; replaces proline 820 with serine.
Molecular consequence: missense variant.
Genome position (GRCh38, 1-based): chr3:123,701,442, G>A on the plus strand (C>T on the coding strand, the complement: MYLK is on the minus strand). VCF-style: chr3-123701442-G-A. GRCh37 (hg19) VCF-style: chr3-123420289-G-A.
Other names: c.1930C>T, p.Pro644Ser (NM_001321309.2); c.2251C>T, p.Pro751Ser (NM_053026.4, NM_053028.4); c.2458C>T, p.Pro820Ser (NM_053027.4); short protein forms P820S, P644S, P751S.
Identifiers: ClinVar variation 409681 (VCV000409681.9), dbSNP rs748575040, ClinGen allele CA068568.

ClinVar aggregate classification (germline): Uncertain significance. Review status: criteria provided, multiple submitters, no conflicts (2 of 4 stars). 2 submissions from 2 submitters: Uncertain significance (2). Last evaluated 2022-12-15.

Conditions:
Familial thoracic aortic aneurysm and aortic dissection (TAAD). Also called: Thoracic aortic aneurysms and dissections. Identifiers: Orphanet 91387, MedGen C4707243, MONDO:0019625.
Aortic aneurysm, familial thoracic 7 (AAT7). Also called: AORTIC DISSECTION, FAMILIAL, WITH OR WITHOUT AORTIC ANEURYSM. Identifiers: MedGen C3151077, MONDO:0013418, OMIM 613780.

Allele frequency attached by ClinVar (database versions not stated): gnomAD exomes below 0.00001; ExAC 0.00001; TOPMed 0.00001.
gnomAD v4.1: 6 of 1,614,082 alleles (0.00037%); highest among the groups gnomAD compares: Non-Finnish European, 0.00051%; no homozygotes.

Submissions (2):

Ambry Genetics
Classification: Uncertain significance for Familial thoracic aortic aneurysm and aortic dissection. Last evaluated: 2022-12-15. Review status: criteria provided, single submitter. Criteria: Ambry Variant Classification Scheme 2023. Collection method: clinical testing. Allele origin: germline.

Labcorp Genetics (formerly Invitae), Labcorp
Classification: Uncertain significance for Aortic aneurysm, familial thoracic 7. Last evaluated: 2022-11-16. Review status: criteria provided, single submitter. Criteria: Invitae Variant Classification Sherloc (09022015). Collection method: clinical testing. Allele origin: germline.
Comment: In summary, the available evidence is currently insufficient to determine the role of this variant in disease. Therefore, it has been classified as a Variant of Uncertain Significance. Advanced modeling of protein sequence and biophysical properties (such as structural, functional, and spatial information, amino acid conservation, physicochemical variation, residue mobility, and thermodynamic stability) performed at Invitae indicates that this missense variant is not expected to disrupt MYLK protein function. ClinVar contains an entry for this variant (Variation ID: 409681). This variant has not been reported in the literature in individuals affected with MYLK-related conditions. This variant is present in population databases (rs748575040, gnomAD 0.0009%). This sequence change replaces proline, which is neutral and non-polar, with serine, which is neutral and polar, at codon 820 of the MYLK protein (p.Pro820Ser).